The following is an entry in ClinVar:

NM_001379081.2(FREM1):c.4375G>C (p.Asp1459His)

Gene: FREM1 (FRAS1 related extracellular matrix 1; minus strand). Cytogenetic location: 9p22.3.
Variant type: single nucleotide variant.
Coding change: c.4375G>C on transcript NM_001379081.2 (MANE Select); coding-DNA position 4375, G replaced by C.
Protein change: p.Asp1459His; replaces aspartic acid 1459 with histidine.
Molecular consequence: missense variant. On other transcripts: non-coding transcript variant (1).
Genome position (GRCh38, 1-based): chr9:14,784,437, C>G on the plus strand (G>C on the coding strand, the complement: FREM1 is on the minus strand). VCF-style: chr9-14784437-C-G. GRCh37 (hg19) VCF-style: chr9-14784435-C-G.
Other names: c.4375G>C, p.Asp1459His (NM_144966.7); short protein forms D1459H.
Identifiers: ClinVar variation 2877139 (VCV002877139.3), dbSNP rs2540099671, ClinGen allele CA372966050.

ClinVar aggregate classification (germline): Uncertain significance (1 of 4 stars; one submission).

Submission:

Labcorp Genetics (formerly Invitae), Labcorp
Classification: Uncertain significance. Last evaluated: 2023-02-09. Review status: criteria provided, single submitter. Criteria: Invitae Variant Classification Sherloc (09022015). Collection method: clinical testing. Allele origin: germline.
Comment: This variant has not been reported in the literature in individuals affected with FREM1-related conditions. Advanced modeling of protein sequence and biophysical properties (such as structural, functional, and spatial information, amino acid conservation, physicochemical variation, residue mobility, and thermodynamic stability) performed at Invitae indicates that this missense variant is not expected to disrupt FREM1 protein function. In summary, the available evidence is currently insufficient to determine the role of this variant in disease. Therefore, it has been classified as a Variant of Uncertain Significance. This sequence change replaces aspartic acid, which is acidic and polar, with histidine, which is basic and polar, at codon 1459 of the FREM1 protein (p.Asp1459His). This variant is not present in population databases (gnomAD no frequency).